The following is an entry in ClinVar:

ClinVar aggregate classification (germline): Uncertain significance. Review status: criteria provided, multiple submitters, no conflicts (2 of 4 stars). 4 submissions from 4 submitters: Uncertain significance (3). 1 of the submissions does not count toward it. Last evaluated 2025-08-18.

Conditions:
Inborn genetic diseases. Identifiers: MedGen C0950123, MeSH D030342.
MAGEL2-related disorder. Also called: MAGEL2-related condition.
Schaaf-Yang syndrome (SHFYNG). Also called: MAGEL2-related Prader-Willi-like syndrome; Arthrogryposis, distal, with hypopituitarism, intellectual disability, and facial anomalies. Identifiers: Orphanet 398069, MedGen C5575066, MONDO:0014243, OMIM 615547.

Allele frequency attached by ClinVar (database versions not stated): gnomAD exomes below 0.00001; gnomAD 0.00002; TOPMed 0.00002.
gnomAD v4.1: 7 of 1,358,358 alleles (0.00052%); highest among the groups gnomAD compares: Non-Finnish European, 0.00047%; no homozygotes.

Submissions (4):

Laboratorio de Genetica e Diagnostico Molecular, Hospital Israelita Albert Einstein
Classification: Uncertain significance for Schaaf-Yang syndrome. Last evaluated: 2025-08-18. Review status: criteria provided, single submitter. Criteria: ACMG Guidelines, 2015. Collection method: clinical testing. Allele origin: germline. Affected: yes.
Comment: ACMG classification criteria: PM2 supporting, BP4 supporting

Ambry Genetics
Classification: Uncertain significance for Inborn genetic diseases. Last evaluated: 2025-01-24. Review status: criteria provided, single submitter. Criteria: Ambry Variant Classification Scheme 2023. Collection method: clinical testing. Allele origin: germline.

Labcorp Genetics (formerly Invitae), Labcorp
Classification: Uncertain significance. Last evaluated: 2023-10-09. Review status: criteria provided, single submitter. Criteria: Invitae Variant Classification Sherloc (09022015). Collection method: clinical testing. Allele origin: germline.
Comment: This sequence change replaces arginine, which is basic and polar, with cysteine, which is neutral and slightly polar, at codon 494 of the MAGEL2 protein (p.Arg494Cys). This variant is not present in population databases (gnomAD no frequency). This variant has not been reported in the literature in individuals affected with MAGEL2-related conditions. Experimental studies and prediction algorithms are not available or were not evaluated, and the functional significance of this variant is currently unknown. In summary, the available evidence is currently insufficient to determine the role of this variant in disease. Therefore, it has been classified as a Variant of Uncertain Significance.

PreventionGenetics, part of Exact Sciences
Classification: Uncertain significance for MAGEL2-related condition. Last evaluated: 2024-03-05. Review status: no assertion criteria provided. Collection method: clinical testing. Allele origin: germline. Not counted in ClinVar's aggregate classification.
Comment: The MAGEL2 c.1480C>T variant is predicted to result in the amino acid substitution p.Arg494Cys. To our knowledge, this variant has not been reported in the literature or in a large population database, indicating this variant is rare. At this time, the clinical significance of this variant is uncertain due to the absence of conclusive functional and genetic evidence.

NM_019066.5(MAGEL2):c.1480C>T (p.Arg494Cys)

Gene: MAGEL2 (MAGE family member L2; minus strand). Cytogenetic location: 15q11.2.
Variant type: single nucleotide variant.
Coding change: c.1480C>T on transcript NM_019066.5 (MANE Select); coding-DNA position 1480, C replaced by T.
Protein change: p.Arg494Cys; replaces arginine 494 with cysteine.
Molecular consequence: missense variant.
Genome position (GRCh38, 1-based): chr15:23,646,263, G>A on the plus strand (C>T on the coding strand, the complement: MAGEL2 is on the minus strand). VCF-style: chr15-23646263-G-A. GRCh37 (hg19) VCF-style: chr15-23891410-G-A.
Other names: c.1480C>T (NM_019066.4); short protein forms R494C.
Identifiers: ClinVar variation 3001918 (VCV003001918.6), dbSNP rs1184341325, ClinGen allele CA391333956.